The following is an entry in ClinVar:

ClinVar aggregate classification (germline): Uncertain significance (1 of 4 stars; one submission).

Conditions:
Bethlem myopathy 1A. Also called: Bethlem myopathy 1; Bethlem Muscular Dystrophy; MYOPATHY, BENIGN CONGENITAL, WITH CONTRACTURES. Identifiers: Orphanet 610, MedGen CN029274, MONDO:0024530, OMIM 158810.

Allele frequency attached by ClinVar (database versions not stated): gnomAD exomes 0.00003 and below 0.00001; 1000 Genomes Project 30x 0.00016; 1000 Genomes Project 0.00020; ExAC 0.00001; gnomAD 0.00001.
gnomAD v4.1: 23 of 1,614,068 alleles (0.0014%); highest among the groups gnomAD compares: Non-Finnish European, 0.0019%; no homozygotes.

Submission:

Labcorp Genetics (formerly Invitae), Labcorp
Classification: Uncertain significance for Bethlem myopathy 1A. Last evaluated: 2022-02-09. Review status: criteria provided, single submitter. Criteria: Invitae Variant Classification Sherloc (09022015). Collection method: clinical testing. Allele origin: germline.
Comment: This variant has not been reported in the literature in individuals affected with COL6A3-related conditions. In summary, the available evidence is currently insufficient to determine the role of this variant in disease. Therefore, it has been classified as a Variant of Uncertain Significance. Advanced modeling of protein sequence and biophysical properties (such as structural, functional, and spatial information, amino acid conservation, physicochemical variation, residue mobility, and thermodynamic stability) performed at Invitae indicates that this missense variant is not expected to disrupt COL6A3 protein function. This variant is present in population databases (rs200110562, gnomAD 0.0009%). This sequence change replaces serine, which is neutral and polar, with alanine, which is neutral and non-polar, at codon 1966 of the COL6A3 protein (p.Ser1966Ala).

NM_004369.4(COL6A3):c.5896T>G (p.Ser1966Ala)

Gene: COL6A3 (collagen type VI alpha 3 chain; minus strand). Cytogenetic location: 2q37.3.
Variant type: single nucleotide variant.
Coding change: c.5896T>G on transcript NM_004369.4 (MANE Select); coding-DNA position 5896, T replaced by G.
Protein change: p.Ser1966Ala; replaces serine 1966 with alanine.
Molecular consequence: missense variant.
Genome position (GRCh38, 1-based): chr2:237,364,371, A>C on the plus strand (T>G on the coding strand, the complement: COL6A3 is on the minus strand). VCF-style: chr2-237364371-A-C. GRCh37 (hg19) VCF-style: chr2-238273014-A-C.
Other names: c.4075T>G, p.Ser1359Ala (NM_057166.5); c.5278T>G, p.Ser1760Ala (NM_057167.4); short protein forms S1760A, S1966A, S1359A.
Identifiers: ClinVar variation 1475940 (VCV001475940.6), dbSNP rs200110562, ClinGen allele CA2188542.